The following is an entry in ClinVar:

ClinVar aggregate classification (germline): Benign. Review status: criteria provided, multiple submitters, no conflicts (2 of 4 stars). 3 submissions from 3 submitters: Benign (2). 1 of the submissions does not count toward it. Last evaluated 2016-03-29.

Conditions:
LRIG1-related disorder. Also called: LRIG1-related condition.

Allele frequency attached by ClinVar (database versions not stated): 1000 Genomes Project 30x 0.70956; 1000 Genomes Project 0.71985; TOPMed 0.74103; gnomAD 0.77161; ESP Exome Variant Server 0.81160; ExAC 0.91787; gnomAD exomes 0.91985 and 0.96265.
gnomAD v4.1: 1,408,055 of 1,495,944 alleles (94%); highest among the groups gnomAD compares: Non-Finnish European, 99%; 680,117 homozygotes.

Submissions (3):

Laboratory for Molecular Medicine, Mass General Brigham Personalized Medicine
Classification: Benign. Last evaluated: 2016-03-29. Review status: criteria provided, single submitter. Criteria: LMM Criteria. Collection method: clinical testing. Allele origin: germline.
Comment: Variant identified in a genome or exome case(s) and assessed due to predicted null impact of the variant or pathogenic assertions in the literature or databases. Disclaimer: This variant has not undergone full assessment. The following are preliminary notes: Frequency

Breakthrough Genomics
Classification: Benign. Review status: criteria provided, single submitter. Criteria: ACMG Guidelines, 2015. Collection method: not provided. Allele origin: germline. Inheritance: Unknown mechanism. Affected: yes.

PreventionGenetics, part of Exact Sciences
Classification: Benign for LRIG1-related condition. Last evaluated: 2019-10-21. Review status: no assertion criteria provided. Collection method: clinical testing. Allele origin: germline. Not counted in ClinVar's aggregate classification.
Comment: This variant is classified as benign based on ACMG/AMP sequence variant interpretation guidelines (Richards et al. 2015 PMID: 25741868, with internal and published modifications).

NM_015541.3(LRIG1):c.70C>G (p.Leu24Val)

Gene: LRIG1 (leucine rich repeats and immunoglobulin like domains 1; minus strand). Cytogenetic location: 3p14.1.
Variant type: single nucleotide variant.
Coding change: c.70C>G on transcript NM_015541.3 (MANE Select); coding-DNA position 70, C replaced by G.
Protein change: p.Leu24Val; replaces leucine 24 with valine.
Molecular consequence: missense variant. On other transcripts: intron variant (1).
Genome position (GRCh38, 1-based): chr3:66,500,338, G>C on the plus strand (C>G on the coding strand, the complement: LRIG1 is on the minus strand). VCF-style: chr3-66500338-G-C. GRCh37 (hg19) VCF-style: chr3-66550762-G-C.
Other names: c.70C>G, p.Leu24Val (NM_001377344.1); c.-563+755C>G (NM_001377345.1); short protein forms L24V.
Identifiers: ClinVar variation 403058 (VCV000403058.7), dbSNP rs1403626, ClinGen allele CA2485308.
Genomic context (GRCh38, chr3:66,500,338, plus strand): 5'-CGGCCGCGCAGGGCGCCCGCGGGCCGGCCGCGGCGGTCACCGGCTCCAGCCGAAGCAAAA[G>C]CAGCCAGAGAAGGAGAAGGCAAGGCGAGCGGCGCGGGGCCCCGAGCCCTCCCCGGACCGG-3'
Protein context (NP_056356.2, residues 14-34): RSPCLLLLWL[Leu24Val]LLRLEPVTAA